The following is an entry in ClinVar:

NM_000059.4(BRCA2):c.1949A>C (p.Asn650Thr)

Gene: BRCA2 (BRCA2 DNA repair associated; plus strand). Cytogenetic location: 13q13.1.
Variant type: single nucleotide variant.
Coding change: c.1949A>C on transcript NM_000059.4 (MANE Select); coding-DNA position 1949, A replaced by C.
Protein change: p.Asn650Thr; replaces asparagine 650 with threonine.
Molecular consequence: missense variant.
Genome position (GRCh38, 1-based): chr13:32,336,304, A>C. VCF-style: chr13-32336304-A-C. GRCh37 (hg19) VCF-style: chr13-32910441-A-C.
Other names: c.1949A>C, p.Asn650Thr (NM_001406719.1, NM_001406720.1); short protein forms N650T.
Identifiers: ClinVar variation 1713295 (VCV001713295.7), dbSNP rs773619645, ClinGen allele CA387768418.

ClinVar aggregate classification (germline): Conflicting classifications of pathogenicity. Review status: criteria provided, conflicting classifications (1 of 4 stars). 2 submissions from 2 submitters: Uncertain significance (1); Likely benign (1). Last evaluated 2023-03-23.

Conditions:
Hereditary cancer-predisposing syndrome. Also called: Neoplastic Syndromes, Hereditary; Tumor predisposition; Hereditary Cancer Syndrome; Hereditary neoplastic syndrome. Identifiers: Orphanet 140162, MedGen C0027672, MeSH D009386, MONDO:0015356.
Hereditary breast ovarian cancer syndrome. Also called: Hereditary breast and ovarian cancer syndrome; Hereditary breast and ovarian cancer syndrome (HBOC); Breast and ovarian cancer; Hereditary breast and/or ovarian cancer syndrome; Hereditary breast and ovarian cancer; BRCA1- and BRCA2-Associated Hereditary Breast and Ovarian Cancer. Identifiers: Orphanet 145, MedGen C0677776, MeSH D061325, MONDO:0003582. Disease mechanism: loss of function.

Submissions (2):

University of Washington Department of Laboratory Medicine, University of Washington
Classification: Likely benign for Hereditary cancer-predisposing syndrome. Last evaluated: 2023-03-23. Review status: criteria provided, single submitter. Criteria: Dines et al. (Genet Med. 2020). Collection method: curation. Allele origin: germline.
Comment: Missense variant in a coldspot region where missense variants are very unlikely to be pathogenic (PMID:31911673).

BRCA2 exon 11 coldspot. Reclassification based on statistical prior probability.

Labcorp Genetics (formerly Invitae), Labcorp
Classification: Uncertain significance for Hereditary breast ovarian cancer syndrome. Last evaluated: 2022-09-14. Review status: criteria provided, single submitter. Criteria: Invitae Variant Classification Sherloc (09022015). Collection method: clinical testing. Allele origin: germline.
Comment: This variant is not present in population databases (gnomAD no frequency). This sequence change replaces asparagine, which is neutral and polar, with threonine, which is neutral and polar, at codon 650 of the BRCA2 protein (p.Asn650Thr). In summary, the available evidence is currently insufficient to determine the role of this variant in disease. Therefore, it has been classified as a Variant of Uncertain Significance. Advanced modeling of protein sequence and biophysical properties (such as structural, functional, and spatial information, amino acid conservation, physicochemical variation, residue mobility, and thermodynamic stability) performed at Invitae indicates that this missense variant is not expected to disrupt BRCA2 protein function. This variant has not been reported in the literature in individuals affected with BRCA2-related conditions.